The following is an entry in ClinVar:

ClinVar aggregate classification (germline): Benign/Likely benign. Review status: criteria provided, multiple submitters, no conflicts (2 of 4 stars). 12 submissions from 12 submitters: Benign (3); Likely benign (8). 1 of the submissions does not count toward it. Last evaluated 2026-02-01.

Conditions:
Classic or attenuated familial adenomatous polyposis. Identifiers: MedGen CN372698, MONDO:0021057.
Hereditary cancer-predisposing syndrome. Also called: Tumor predisposition; Neoplastic Syndromes, Hereditary; Hereditary Cancer Syndrome; Hereditary neoplastic syndrome. Identifiers: Orphanet 140162, MedGen C0027672, MeSH D009386, MONDO:0015356.
Familial adenomatous polyposis 1 (FAP1). Also called: POLYPOSIS, ADENOMATOUS INTESTINAL; FAMILIAL ADENOMATOUS POLYPOSIS 1, ATTENUATED. Identifiers: MedGen C2713442, MONDO:0021056, OMIM 175100. Disease mechanism: loss of function.

Allele frequency attached by ClinVar (database versions not stated): gnomAD 0.00003; gnomAD exomes 0.00007 and 0.00002; ExAC 0.00008; TOPMed 0.00002.
gnomAD v4.1: 40 of 1,613,794 alleles (0.0025%); highest among the groups gnomAD compares: Middle Eastern, 0.016%; no homozygotes.

Submissions (12):

CeGaT Center for Human Genetics Tuebingen
Classification: Likely benign. Last evaluated: 2026-02-01. Review status: criteria provided, single submitter. Criteria: CeGaT Center For Human Genetics Tuebingen Variant Classification Criteria Version 2. Collection method: clinical testing. Allele origin: germline. Affected: yes. Observed: 3 variant alleles.
Comment: APC: BP4, BP7

Labcorp Genetics (formerly Invitae), Labcorp
Classification: Likely benign for Familial adenomatous polyposis 1. Last evaluated: 2026-01-27. Review status: criteria provided, single submitter. Criteria: Invitae Variant Classification Sherloc (09022015). Collection method: clinical testing. Allele origin: germline.

Quest Diagnostics Nichols Institute San Juan Capistrano
Classification: Benign. Last evaluated: 2025-07-03. Review status: criteria provided, single submitter. Criteria: Quest Diagnostics criteria. Collection method: clinical testing. Allele origin: unknown.

All of Us Research Program, National Institutes of Health
Classification: Likely benign for Classic or attenuated familial adenomatous polyposis. Last evaluated: 2023-12-18. Review status: criteria provided, single submitter. Criteria: ACMG Guidelines, 2015. Collection method: clinical testing. Allele origin: germline. Inheritance: Autosomal dominant inheritance. Observed: 7 variant alleles, 7 heterozygotes.
Comment: This study involves interpretation of variants in research participants for the purpose of population health screening. Participant phenotype was not available at the time of variant classification. Additional details can be found in publication PMID: 35346344, PMCID: PMC8962531

Myriad Genetics, Inc.
Classification: Benign for Familial adenomatous polyposis 1. Last evaluated: 2023-02-17. Review status: criteria provided, single submitter. Criteria: Myriad Autosomal Dominant, Autosomal Recessive and X-Linked Classification Criteria (2023). Collection method: clinical testing. Allele origin: unknown.
Comment: This variant is considered benign. This variant is a silent/synonymous amino acid change and it is not expected to impact splicing.

Sema4
Classification: Likely benign for Hereditary cancer-predisposing syndrome. Last evaluated: 2021-08-07. Review status: criteria provided, single submitter. Criteria: Sema4 Curation Guidelines. Collection method: curation. Allele origin: germline.

Women's Health and Genetics/Laboratory Corporation of America, LabCorp
Classification: Likely benign. Last evaluated: 2020-11-12. Review status: criteria provided, single submitter. Criteria: LabCorp Variant Classification Summary - May 2015. Collection method: clinical testing. Allele origin: germline.

PreventionGenetics, part of Exact Sciences
Classification: Likely benign. Last evaluated: 2017-10-31. Review status: criteria provided, single submitter. Criteria: ACMG Guidelines, 2015. Collection method: clinical testing. Allele origin: germline.

Color Diagnostics, LLC DBA Color Health
Classification: Likely benign for Hereditary cancer-predisposing syndrome. Last evaluated: 2016-11-29. Review status: criteria provided, single submitter. Criteria: ACMG Guidelines, 2015. Collection method: clinical testing. Allele origin: germline.

GeneDx
Classification: Benign. Last evaluated: 2015-07-14. Review status: criteria provided, single submitter. Criteria: GeneDx Variant Classification (06012015). Collection method: clinical testing. Allele origin: germline. Affected: yes.
Comment: This variant is considered likely benign or benign based on one or more of the following criteria: it is a conservative change, it occurs at a poorly conserved position in the protein, it is predicted to be benign by multiple in silico algorithms, and/or has population frequency not consistent with disease.

Ambry Genetics
Classification: Likely benign for Hereditary cancer-predisposing syndrome. Last evaluated: 2015-03-20. Review status: criteria provided, single submitter. Criteria: Ambry Variant Classification Scheme 2023. Collection method: clinical testing. Allele origin: germline.

Counsyl
Classification: Likely benign for Familial adenomatous polyposis 1. Last evaluated: 2016-09-09. Review status: no assertion criteria provided. Collection method: clinical testing. Allele origin: unknown. Not counted in ClinVar's aggregate classification.

Literature cited by the submitters: PubMed 23159591 (cited by 3 submitters).

NM_000038.6(APC):c.1686G>A (p.Thr562=)

Gene: APC (APC regulator of Wnt signaling pathway; plus strand). Cytogenetic location: 5q22.2.
Variant type: single nucleotide variant.
Coding change: c.1686G>A on transcript NM_000038.6 (MANE Select); coding-DNA position 1686, G replaced by A.
Protein change: p.Thr562=; no amino-acid change (threonine 562 retained).
Molecular consequence: synonymous variant.
Genome position (GRCh38, 1-based): chr5:112,828,915, G>A. VCF-style: chr5-112828915-G-A. GRCh37 (hg19) VCF-style: chr5-112164612-G-A.
Other names: c.1686G>A, p.Thr562= (NM_001127510.3, NM_001354895.2); c.1632G>A, p.Thr544= (NM_001127511.3); c.1740G>A, p.Thr580= (NM_001354896.2); c.1716G>A, p.Thr572= (NM_001354897.2); c.1611G>A, p.Thr537= (NM_001354898.2); c.1602G>A, p.Thr534= (NM_001354899.2); c.1563G>A, p.Thr521= (NM_001354900.2); c.1509G>A, p.Thr503= (NM_001354901.2); and 5 more.
Identifiers: ClinVar variation 183784 (VCV000183784.46), dbSNP rs770256026, ClinGen allele CA005444.